The following is an entry in ClinVar:

NM_000455.5(STK11):c.290+1G>T

Gene: STK11 (serine/threonine kinase 11; plus strand). Cytogenetic location: 19p13.3.
Variant type: single nucleotide variant.
Coding change: c.290+1G>T on transcript NM_000455.5 (MANE Select); the canonical splice donor site of the intron after coding-DNA position 290, G replaced by T.
Molecular consequence: splice donor variant.
Genome position (GRCh38, 1-based): chr19:1,207,204, G>T. VCF-style: chr19-1207204-G-T. GRCh37 (hg19) VCF-style: chr19-1207203-G-T.
Other names: c.290+1G>T (NM_001407255.1).
Identifiers: ClinVar variation 964826 (VCV000964826.4), dbSNP rs1131690950, ClinGen allele CA402944664.

ClinVar aggregate classification (germline): Pathogenic. Review status: criteria provided, multiple submitters, no conflicts (2 of 4 stars). 2 submissions from 2 submitters: Pathogenic (2). Last evaluated 2025-02-09.

Conditions:
Hereditary cancer-predisposing syndrome. Also called: Hereditary neoplastic syndrome; Hereditary Cancer Syndrome; Tumor predisposition; Neoplastic Syndromes, Hereditary. Identifiers: Orphanet 140162, MedGen C0027672, MeSH D009386, MONDO:0015356.
Peutz-Jeghers syndrome (PJS). Also called: POLYPOSIS, HAMARTOMATOUS INTESTINAL; POLYPS-AND-SPOTS SYNDROME; Peutz-Jeghers polyposis; Periorificial lentiginosis syndrome. Identifiers: Orphanet 2869, MedGen C0031269, MeSH D010580, MONDO:0008280, OMIM 175200.

Submissions (2):

Ambry Genetics
Classification: Pathogenic for Hereditary cancer-predisposing syndrome. Last evaluated: 2025-02-09. Review status: criteria provided, single submitter. Criteria: Ambry Variant Classification Scheme 2023. Collection method: clinical testing. Allele origin: germline.
Comment: The c.290+1G>T intronic pathogenic variant results from a G to T substitution one nucleotide after coding exon 1 of the STK11 gene. This alteration has been observed in at least one individual with a personal and/or family history that is consistent with STK11-related disease (Aretz S et al. Hum Mutat, 2005 Dec;26:513-9; Ambry internal data). In silico splice site analysis predicts that this alteration will weaken the native splice donor site and will result in the creation or strengthening of a novel splice donor site; however, direct evidence is insufficient at this time (Ambry internal data). Alterations that disrupt the canonical splice site are expected to cause aberrant splicing, resulting in an abnormal protein or a transcript that is subject to nonsense-mediated mRNA decay. As such, this alteration is classified as a disease-causing mutation.

Labcorp Genetics (formerly Invitae), Labcorp
Classification: Pathogenic for Peutz-Jeghers syndrome. Last evaluated: 2019-10-28. Review status: criteria provided, single submitter. Criteria: Invitae Variant Classification Sherloc (09022015). Collection method: clinical testing. Allele origin: germline.
Comment: This sequence change affects a donor splice site in intron 1 of the STK11 gene. It is expected to disrupt RNA splicing and likely results in an absent or disrupted protein product. This variant is not present in population databases (ExAC no frequency). This variant has been observed in individuals affected with Peutz-Jeghers syndrome (PMID: 16287113, 19727776, Invitae). Donor and acceptor splice site variants typically lead to a loss of protein function (PMID: 16199547), and loss-of-function variants in STK11 are known to be pathogenic (PMID: 15188174, 16287113). For these reasons, this variant has been classified as Pathogenic.

Literature cited by the submitters: PubMed 16287113 (cited by Ambry Genetics and Labcorp Genetics (formerly Invitae), Labcorp); PubMed 15188174 (cited by Labcorp Genetics (formerly Invitae), Labcorp); PubMed 19727776 (cited by Labcorp Genetics (formerly Invitae), Labcorp).